The following is an entry in ClinVar:

ClinVar aggregate classification (germline): Pathogenic. Review status: criteria provided, single submitter (1 of 4 stars). 2 submissions from 2 submitters: Pathogenic (1). 1 of the submissions does not count toward it. Last evaluated 2026-01-30.

Conditions:
Autosomal dominant polycystic kidney disease. Identifiers: Orphanet 730, MedGen C0085413, MONDO:0004691.
Polycystic kidney disease 6 with or without polycystic liver disease. Also called: Autosomal Dominant Polycystic Kidney Disease-DNAJB11. Identifiers: MedGen C4748044, MONDO:0054842, OMIM 618061.

Submissions (2):

Mayo Translational Polycystic Kidney Disease Center, Mayo Clinic
Classification: Pathogenic for Autosomal dominant polycystic kidney disease. Last evaluated: 2026-01-30. Review status: criteria provided, single submitter. Criteria: ACMG Guidelines, 2015. Collection method: research. Allele origin: germline. Inheritance: Autosomal dominant inheritance. Affected: yes.
Comment: The c.532del variant in the DNAJB11 gene results in a frameshift starting at codon 178, leading to a premature stop codon 10 amino acids downstream (p.Thr178ProfsTer10). This alteration is expected to cause a truncated protein, which is consistent with loss-of-function, a known mechanism of disease for DNAJB11. Therefore, this variant meets the PVS1 criterion. It is extremely rare, with an allele frequency of less than 0.01% in population databases such as gnomAD v4.1.0, supporting PM2. Additionally, the variant has been identified in multiple affected individuals from two different families presenting with kidney and/or liver cysts, providing clinical correlation with the associated phenotype and supporting PP4 (PMID: 32631624). Given the gene-disease relationship, the variant’s rarity, and its deleterious molecular consequence, this variant is best classified as pathogenic.

Gharavi Laboratory, Columbia University
Classification: Likely pathogenic for Polycystic kidney disease 6 with or without polycystic liver disease. Last evaluated: 2024-11-05. Review status: no assertion criteria provided. Criteria: ACMG Guidelines, 2015. Collection method: case-control. Allele origin: germline. Affected: yes. Not counted in ClinVar's aggregate classification.

Literature cited by the submitters: PubMed 32631624 (cited by Mayo Translational Polycystic Kidney Disease Center, Mayo Clinic).

NM_016306.6(DNAJB11):c.532del (p.Thr178fs)

Gene: DNAJB11 (DnaJ heat shock protein family (Hsp40) member B11; plus strand). Cytogenetic location: 3q27.3.
Variant type: Deletion.
Coding change: c.532del on transcript NM_016306.6 (MANE Select); coding-DNA position 532, one base deleted (A; older notation c.532delA).
Protein change: p.Thr178fs; shifts the reading frame from threonine 178.
Molecular consequence: frameshift variant. On other transcripts: non-coding transcript variant (5), intron variant (1).
Genome position (GRCh38, 1-based): chr3:186,581,446, A deleted. VCF-style (leftmost placement, unchanged base first): chr3-186581445-CA-C. GRCh37 (hg19) VCF-style: chr3-186299234-CA-C.
Other names: c.532del (NM_016306.4); c.532delA (NM_016306.6); c.324-549del (NM_001378451.1); short protein forms T178fs.
Identifiers: ClinVar variation 3899993 (VCV003899993.1).